The following is an entry in ClinVar:

NM_001113378.2(FANCI):c.2484C>G (p.Ser828Arg)

Gene: FANCI (FA complementation group I; plus strand). Cytogenetic location: 15q26.1.
Variant type: single nucleotide variant.
Coding change: c.2484C>G on transcript NM_001113378.2 (MANE Select); coding-DNA position 2484, C replaced by G.
Protein change: p.Ser828Arg; replaces serine 828 with arginine.
Molecular consequence: missense variant. On other transcripts: intron variant (1).
Genome position (GRCh38, 1-based): chr15:89,294,942, C>G. VCF-style: chr15-89294942-C-G. GRCh37 (hg19) VCF-style: chr15-89838173-C-G.
Other names: c.2205C>G, p.Ser735Arg (NM_001376910.1); c.2484C>G, p.Ser828Arg (NM_001376911.1); c.2456+945C>G (NM_018193.3); short protein forms S735R, S828R.
Identifiers: ClinVar variation 1715683 (VCV001715683.3), dbSNP rs750041727, ClinGen allele CA393750672.

ClinVar aggregate classification (germline): Uncertain significance (1 of 4 stars; one submission).

Conditions:
Fanconi anemia (FA). Also called: Fanconi's anemia. Identifiers: Orphanet 84, MedGen C0015625, MeSH D005199, MONDO:0019391.

Submission:

Labcorp Genetics (formerly Invitae), Labcorp
Classification: Uncertain significance for Fanconi anemia. Last evaluated: 2022-08-22. Review status: criteria provided, single submitter. Criteria: Invitae Variant Classification Sherloc (09022015). Collection method: clinical testing. Allele origin: germline.
Comment: This sequence change replaces serine, which is neutral and polar, with arginine, which is basic and polar, at codon 828 of the FANCI protein (p.Ser828Arg). This variant is not present in population databases (gnomAD no frequency). This variant has not been reported in the literature in individuals affected with FANCI-related conditions. Algorithms developed to predict the effect of missense changes on protein structure and function are either unavailable or do not agree on the potential impact of this missense change (SIFT: "Tolerated"; PolyPhen-2: "Possibly Damaging"; Align-GVGD: "Class C0"). In summary, the available evidence is currently insufficient to determine the role of this variant in disease. Therefore, it has been classified as a Variant of Uncertain Significance.